The following is an entry in ClinVar:

NM_000059.4(BRCA2):c.7514C>T (p.Pro2505Leu)

Gene: BRCA2 (BRCA2 DNA repair associated; plus strand). Cytogenetic location: 13q13.1.
Variant type: single nucleotide variant.
Coding change: c.7514C>T on transcript NM_000059.4 (MANE Select); coding-DNA position 7514, C replaced by T.
Protein change: p.Pro2505Leu; replaces proline 2505 with leucine.
Molecular consequence: missense variant. On other transcripts: non-coding transcript variant (1).
Genome position (GRCh38, 1-based): chr13:32,356,506, C>T. VCF-style: chr13-32356506-C-T. GRCh37 (hg19) VCF-style: chr13-32930643-C-T.
Other names: c.7418C>T, p.Pro2473Leu (NM_001406719.1); c.7514C>T, p.Pro2505Leu (NM_001406720.1); c.2582C>T, p.Pro861Leu (NM_001406721.1); c.1097C>T, p.Pro366Leu (NM_001406722.1); short protein forms P366L, P861L, P2473L, P2505L.
Identifiers: ClinVar variation 2866139 (VCV002866139.3), dbSNP rs1018468899, ClinGen allele CA247469878.
Genomic context (GRCh38, chr13:32,356,506, plus strand): 5'-AGAATGCCAGAGATATACAGGATATGCGAATTAAGAAGAAACAAAGGCAACGCGTCTTTC[C>T]ACAGCCAGGCAGTCTGTATCTTGCAAAAACATCCACTCTGCCTCGAATCTCTCTGAAAGC-3'
Protein context (NP_000050.3, residues 2495-2515): IKKKQRQRVF[Pro2505Leu]QPGSLYLAKT

ClinVar aggregate classification (germline): Uncertain significance (1 of 4 stars; one submission).

Conditions:
Hereditary breast ovarian cancer syndrome. Also called: Hereditary breast and ovarian cancer syndrome; Hereditary breast and/or ovarian cancer syndrome; BRCA1- and BRCA2-Associated Hereditary Breast and Ovarian Cancer; Hereditary breast and ovarian cancer syndrome (HBOC); Hereditary breast and ovarian cancer; Breast and ovarian cancer. Identifiers: Orphanet 145, MedGen C0677776, MeSH D061325, MONDO:0003582. Disease mechanism: loss of function.

Submission:

Labcorp Genetics (formerly Invitae), Labcorp
Classification: Uncertain significance for Hereditary breast ovarian cancer syndrome. Last evaluated: 2023-05-20. Review status: criteria provided, single submitter. Criteria: Invitae Variant Classification Sherloc (09022015). Collection method: clinical testing. Allele origin: germline.
Comment: In summary, the available evidence is currently insufficient to determine the role of this variant in disease. Therefore, it has been classified as a Variant of Uncertain Significance. Advanced modeling of protein sequence and biophysical properties (such as structural, functional, and spatial information, amino acid conservation, physicochemical variation, residue mobility, and thermodynamic stability) performed at Invitae indicates that this missense variant is not expected to disrupt BRCA2 protein function. This variant has not been reported in the literature in individuals affected with BRCA2-related conditions. This variant is not present in population databases (gnomAD no frequency). This sequence change replaces proline, which is neutral and non-polar, with leucine, which is neutral and non-polar, at codon 2505 of the BRCA2 protein (p.Pro2505Leu).